The following is an entry in ClinVar:

ClinVar aggregate classification (germline): Uncertain significance (1 of 4 stars; one submission).

Conditions:
Cardiovascular phenotype. Identifiers: MedGen CN230736.

Submission:

Ambry Genetics
Classification: Uncertain significance for Cardiovascular phenotype. Last evaluated: 2023-11-08. Review status: criteria provided, single submitter. Criteria: Ambry Variant Classification Scheme 2023. Collection method: clinical testing. Allele origin: germline.
Comment: The p.R3655W variant (also known as c.10963A>T), located in coding exon 2 of the ZNF469 gene, results from an A to T substitution at nucleotide position 10963. The arginine at codon 3655 is replaced by tryptophan, an amino acid with dissimilar properties. This amino acid position is conserved. In addition, this alteration is predicted to be tolerated by in silico analysis. Since supporting evidence is limited at this time, the clinical significance of this alteration remains unclear.

NM_001367624.2(ZNF469):c.11047A>T (p.Arg3683Trp)

Gene: ZNF469 (zinc finger protein 469; plus strand). Cytogenetic location: 16q24.2.
Variant type: single nucleotide variant.
Coding change: c.11047A>T on transcript NM_001367624.2 (MANE Select); coding-DNA position 11047, A replaced by T.
Protein change: p.Arg3683Trp; replaces arginine 3683 with tryptophan.
Molecular consequence: missense variant.
Genome position (GRCh38, 1-based): chr16:88,438,517, A>T. VCF-style: chr16-88438517-A-T. GRCh37 (hg19) VCF-style: chr16-88504925-A-T.
Other names: NM_001127464.1:c.10963A>T; short protein forms R3683W.
Identifiers: ClinVar variation 3232736 (VCV003232736.1), dbSNP rs1408830618, ClinGen allele CA397128864.
Genomic context (GRCh38, chr16:88,438,517, plus strand): 5'-GGCGCCTTCCACAAGGGCAGCGCCACCAAGCCTGCGGGCTGCCAGAGCTCATCAAAGGAC[A>T]GGTCGGCAGCATCCACCCCCAGCAAAGCACTCAAGTTCCCAGTGCACCCAAGGAAGGCGG-3'
Protein context (NP_001354553.1, residues 3673-3693): PAGCQSSSKD[Arg3683Trp]SAASTPSKAL